The following is an entry in ClinVar:

NM_001498.4(GCLC):c.622T>A (p.Phe208Ile)

Gene: GCLC (glutamate-cysteine ligase catalytic subunit; minus strand). Cytogenetic location: 6p12.1.
Variant type: single nucleotide variant.
Coding change: c.622T>A on transcript NM_001498.4 (MANE Select); coding-DNA position 622, T replaced by A.
Protein change: p.Phe208Ile; replaces phenylalanine 208 with isoleucine.
Molecular consequence: missense variant.
Genome position (GRCh38, 1-based): chr6:53,514,335, A>T on the plus strand (T>A on the coding strand, the complement: GCLC is on the minus strand). VCF-style: chr6-53514335-A-T. GRCh37 (hg19) VCF-style: chr6-53379133-A-T.
Other names: c.508T>A, p.Phe170Ile (NM_001197115.2); short protein forms F170I, F208I.
Identifiers: ClinVar variation 2262557 (VCV002262557.3), dbSNP rs373494560, ClinGen allele CA3860289.

ClinVar aggregate classification (germline): Uncertain significance. Review status: criteria provided, multiple submitters, no conflicts (2 of 4 stars). 2 submissions from 2 submitters: Uncertain significance (2). Last evaluated 2025-07-20.

Conditions:
Inborn genetic diseases. Identifiers: MedGen C0950123, MeSH D030342.

Allele frequency attached by ClinVar (database versions not stated): ExAC 0.00002.
gnomAD v4.1: 8 of 1,587,894 alleles (0.0005%); highest among the groups gnomAD compares: Non-Finnish European, 0.00069%; no homozygotes.

Submissions (2):

Labcorp Genetics (formerly Invitae), Labcorp
Classification: Uncertain significance. Last evaluated: 2025-07-20. Review status: criteria provided, single submitter. Criteria: Invitae Variant Classification Sherloc (09022015). Collection method: clinical testing. Allele origin: germline.
Comment: This sequence change replaces phenylalanine, which is neutral and non-polar, with isoleucine, which is neutral and non-polar, at codon 208 of the GCLC protein (p.Phe208Ile). This variant is present in population databases (rs373494560, gnomAD 0.003%). This variant has not been reported in the literature in individuals affected with GCLC-related conditions. ClinVar contains an entry for this variant (Variation ID: 2262557). An algorithm developed to predict the effect of missense changes on protein structure and function (PolyPhen-2) suggests that this variant is likely to be disruptive. In summary, the available evidence is currently insufficient to determine the role of this variant in disease. Therefore, it has been classified as a Variant of Uncertain Significance.

Ambry Genetics
Classification: Uncertain significance for Inborn genetic diseases. Last evaluated: 2021-11-30. Review status: criteria provided, single submitter. Criteria: Ambry Variant Classification Scheme 2023. Collection method: clinical testing. Allele origin: germline.